The following is an entry in ClinVar:

ClinVar aggregate classification (germline): Conflicting classifications of pathogenicity. Review status: criteria provided, conflicting classifications (1 of 4 stars). 3 submissions from 3 submitters: Pathogenic (1); Uncertain significance (2). Last evaluated 2025-05-27.

Conditions:
Hereditary cancer-predisposing syndrome. Also called: Hereditary Cancer Syndrome; Tumor predisposition; Neoplastic Syndromes, Hereditary; Hereditary neoplastic syndrome. Identifiers: Orphanet 140162, MedGen C0027672, MeSH D009386, MONDO:0015356.
Tuberous sclerosis 1 (TSC1). Identifiers: Orphanet 805, MedGen C1854465, MONDO:0008612, OMIM 191100.

Allele frequency attached by ClinVar (database versions not stated): gnomAD exomes below 0.00001; ExAC 0.00001.
gnomAD v4.1: 5 of 1,614,202 alleles (0.00031%); highest among the groups gnomAD compares: South Asian, 0.0011%; no homozygotes.

Submissions (3):

Ambry Genetics
Classification: Uncertain significance for Hereditary cancer-predisposing syndrome. Last evaluated: 2025-05-27. Review status: criteria provided, single submitter. Criteria: Ambry Variant Classification Scheme 2023. Collection method: clinical testing. Allele origin: germline.
Comment: The p.Q4* variant (also known as c.10C>T), located in coding exon 1 of the TSC1 gene, results from a C to T substitution at nucleotide position 10. This changes the amino acid from a glutamine to a stop codon within coding exon 1. The predicted stop codon occurs in the 5&rsquo; end of theTSC1 gene. Premature termination codons in the 5&rsquo; end of a gene have been reported to escape nonsense-mediated mRNAdecay and/or lead to re-initiation (Rivas et al. Science. 2015 May 8;348(6235):666-9; Lindeboom et al. Nat Genet. 2016 Oct;48(10):1112-8; Rhee et al. Sci Rep. 2017 May 10;7(1):1653). The exact functional effect of this alteration is unknown. Based on the available evidence, the clinical significance of this variant remains unclear.

GeneDx
Classification: Uncertain significance. Last evaluated: 2023-04-17. Review status: criteria provided, single submitter. Criteria: GeneDx Variant Classification Process June 2021. Collection method: clinical testing. Allele origin: germline. Affected: yes.
Comment: Frameshift variant in a gene for which loss-of-function is a known mechanism of disease, however a downstream in-frame Methionine residue is present which, if utilized, may result in a functional protein; Has not been previously published as pathogenic or benign to our knowledge; This variant is associated with the following publications: (PMID: 17304050, 10227394)

Labcorp Genetics (formerly Invitae), Labcorp
Classification: Pathogenic for Tuberous sclerosis 1. Last evaluated: 2019-06-26. Review status: criteria provided, single submitter. Criteria: Invitae Variant Classification Sherloc (09022015). Collection method: clinical testing. Allele origin: germline.
Comment: This sequence change creates a premature translational stop signal (p.Gln4*) in the TSC1 gene. It is expected to result in an absent or disrupted protein product. This variant is present in population databases (rs753838459, ExAC 0.002%). This variant has not been reported in the literature in individuals with TSC1-related disease. Loss-of-function variants in TSC1 are known to be pathogenic (PMID: 10227394, 17304050). For these reasons, this variant has been classified as Pathogenic.

Literature cited by the submitters: PubMed 10227394 (cited by Labcorp Genetics (formerly Invitae), Labcorp); PubMed 17304050 (cited by Labcorp Genetics (formerly Invitae), Labcorp).

NM_000368.5(TSC1):c.10C>T (p.Gln4Ter)

Gene: TSC1 (TSC complex subunit 1; minus strand). Cytogenetic location: 9q34.13.
Variant type: single nucleotide variant.
Coding change: c.10C>T on transcript NM_000368.5 (MANE Select); coding-DNA position 10, C replaced by T.
Protein change: p.Gln4Ter; replaces glutamine 4 with a stop codon.
Molecular consequence: nonsense. On other transcripts: 5 prime UTR variant (1).
Genome position (GRCh38, 1-based): chr9:132,928,863, G>A on the plus strand (C>T on the coding strand, the complement: TSC1 is on the minus strand). VCF-style: chr9-132928863-G-A. GRCh37 (hg19) VCF-style: chr9-135804250-G-A.
Other names: c.10C>T, p.Gln4Ter (NM_001162426.2, NM_001162427.2); c.-250C>T (NM_001362177.2); short protein forms Q4*.
Identifiers: ClinVar variation 652151 (VCV000652151.7), dbSNP rs753838459, ClinGen allele CA027033.
Genomic context (GRCh38, chr9:132,928,863, plus strand): 5'-CGTCCCGCACACCCAGCATGGGGGAGTCCAGCATGGCAAGAAGCTCCCCGACATTTGCTT[G>A]TTGGGCCATTCTCTCGCTCGAAGGCGCTGTGCTGGCTCCAGGACGTGTGCTACAGGTTCT-3'